The following is an entry in ClinVar:

NM_006086.4(TUBB3):c.1013G>A (p.Ser338Asn)

Gene: TUBB3 (tubulin beta 3 class III; plus strand). Cytogenetic location: 16q24.3.
Variant type: single nucleotide variant.
Coding change: c.1013G>A on transcript NM_006086.4 (MANE Select); coding-DNA position 1013, G replaced by A.
Protein change: p.Ser338Asn; replaces serine 338 with asparagine.
Molecular consequence: missense variant.
Genome position (GRCh38, 1-based): chr16:89,935,464, G>A. VCF-style: chr16-89935464-G-A. GRCh37 (hg19) VCF-style: chr16-90001872-G-A.
Other names: c.797G>A, p.Ser266Asn (NM_001197181.2); short protein forms S266N, S338N.
Identifiers: ClinVar variation 1801111 (VCV001801111.1), dbSNP rs2544627969, ClinGen allele CA397476443.

ClinVar aggregate classification (germline): Uncertain significance (1 of 4 stars; one submission).

Submission:

GeneDx
Classification: Uncertain significance. Last evaluated: 2022-05-25. Review status: criteria provided, single submitter. Criteria: GeneDx Variant Classification Process June 2021. Collection method: clinical testing. Allele origin: germline. Affected: yes.
Comment: Not observed at significant frequency in large population cohorts (gnomAD); Missense variants in this gene are often considered pathogenic (HGMD); In silico analysis supports that this missense variant does not alter protein structure/function; Has not been previously published as pathogenic or benign to our knowledge; This variant is associated with the following publications: (PMID: 20829227)